The following is an entry in ClinVar:

GRCh37/hg19 10q11.22-11.23(chr10:46966534-51700837)x1

Genes: AGAP10 (ArfGAP with GTPase domain, ankyrin repeat and PH domain 10), AGAP9 (ArfGAP with GTPase domain, ankyrin repeat and PH domain 9; minus strand), ANXA8 (annexin A8; minus strand), ANXA8L1 (annexin A8 like 1; plus strand), ARHGAP22 (Rho GTPase activating protein 22; minus strand) and 29 more. Cytogenetic location: 10q11.22-11.23.
Variant type: copy number loss.
Change: copy number 1 (one copy instead of two) of chr10:46,966,534-51,700,837 (4.73 Mb, GRCh37 coordinates, 1-based), cytogenetic band 10q11.22-11.23.
Identifiers: ClinVar variation 1808685 (VCV001808685.1).

ClinVar aggregate classification (germline): Likely pathogenic (1 of 4 stars; one submission).

Submission:

Quest Diagnostics Nichols Institute San Juan Capistrano
Classification: Likely pathogenic. Last evaluated: 2022-06-02. Review status: criteria provided, single submitter. Criteria: ACMG/ClinGen CNV Guidelines, 2019. Collection method: clinical testing. Allele origin: unknown.
Comment: The copy number loss of 10q11.22q11.23 involves multiple protein-coding genes, including CHAT, SLC18A3, ERCC6, and GDF2. This deletion lies over the 10q11.2 recurrent region (LCR-C-to LCR-D). A majority of patients with deletions over this region have developmental delay and intellectual disability, and sometimes additional features such as hypotonia, sleep apnea, chronic constipation, gastroesophageal and vesicoureteral refluxes, epilepsy, ataxia, dysphagia, nystagmus, and ptosis. The phenotypic diversity and presence of the deletion in apparently normal carrier parents suggests variable phenotypic expressivity and incomplete penetrance influenced by additional genetic and nongenetic modifiers (Stankiewicz 2012). An additional report involved a newborn with no visible anomalies carrying an inherited overlapping smaller 3.4 Mb deletion of 10q11.22q11.23. Authors categorized the region as a susceptibility locus (Govaerts 2017). However, a larger deletion almost identical to the current interval was reported in a fetus with dysmorphic features, including hypotelorism, micrognathia, and low-set large ears (Chen 2010). Heterozygous pathogenic sequence variants in GDF2 are associated with autosomal dominant hereditary hemorrhagic telangiectasia type 5 (OMIM 615506). Biallelic loss-of-function variations in ERCC6 are associated with recessive phenotypes including cerebrooculofacioskeletal syndrome 1 (OMIM 214150), Cockayne syndrome type B (OMIM 133540), and De Sanctis-Cacchione syndrome (OMIM 278800). Biallelic pathogenic variations in CHAT and SLC18A3 genes cause autosomal recessive presynaptic congenital myasthenic syndrome-6 (OMIM 254210) and presynaptic congenital myasthenic syndrome-21 (OMIM 617239), respectively. There are no similar deletions in the database of genomic variants (DGV) of the general population in this locus. Thus, based upon size and current medical literature, this copy number variant is classified as likely pathogenic. References: Chen et al., Taiwan J Obstet Gynecol. 2010 Mar;49(1):117-9. PMID: 20466309. Govaerts et al., Prenat Diagn. 2017 Jan;37(1):73-80. PMID: 27931090. Stankiewicz et al., Hum Mutat. 2012 Jan;33(1):165-79. PMID: 21948486.